The following is an entry in ClinVar:

ClinVar aggregate classification (germline): Likely pathogenic. Review status: criteria provided, multiple submitters, no conflicts (2 of 4 stars). 2 submissions from 2 submitters: Likely pathogenic (2). Last evaluated 2023-06-08.

Conditions:
Long QT syndrome (LQTS). Identifiers: MedGen C0023976, MeSH D008133, MONDO:0002442. Disease mechanism: loss of function. Inheritance: Various modes of inheritance.
Cardiac arrhythmia. Also called: Arrhythmia; Cardiac rhythm disease. Identifiers: MedGen C0003811, MONDO:0007263, HP:0011675.

Submissions (2):

All of Us Research Program, National Institutes of Health
Classification: Likely pathogenic for Long QT syndrome. Last evaluated: 2023-06-08. Review status: criteria provided, single submitter. Criteria: ACMG Guidelines, 2015. Collection method: clinical testing. Allele origin: germline. Inheritance: Autosomal dominant inheritance. Observed: 1 variant allele, 1 heterozygote.
Comment: This missense variant replaces serine with tryptophan at codon 818 of the KCNH2 protein. This variant is found within the cyclic nucleotide-binding region in the C-terminus. Rare nontruncating variants in this region have been shown to be significantly overrepresented in individuals with long QT syndrome (PMID: 32893267). Computational prediction suggests that this variant may have deleterious impact on protein structure and function (internally defined REVEL score threshold >= 0.7, PMID: 27666373). To our knowledge, functional studies have not been reported for this variant. This variant has been reported in three unrelated individuals affected with long QT syndrome (PMID: 30036649). This variant has not been identified in the general population by the Genome Aggregation Database (gnomAD). Different missense variants occurring at the same codon, p.Ser818Leu and p.Ser818Pro, have been shown to cause trafficking defects and observed in individuals affected with long QT syndrome (ClinVar ID: 14432, 67400). This indicates that serine at this position is a functionally and clinically important residue. Based on the available evidence, this variant is classified as Likely Pathogenic.

This study involves interpretation of variants in research participants for the purpose of population health screening. Participant phenotype was not available at the time of variant classification. Additional details can be found in publication PMID: 35346344, PMCID: PMC8962531

Color Diagnostics, LLC DBA Color Health
Classification: Likely pathogenic for Cardiac arrhythmia. Last evaluated: 2023-03-24. Review status: criteria provided, single submitter. Criteria: ACMG Guidelines, 2015. Collection method: clinical testing. Allele origin: germline.
Comment: This missense variant replaces serine with tryptophan at codon 818 of the KCNH2 protein. This variant is found within the cyclic nucleotide-binding region in the C-terminus. Rare nontruncating variants in this region have been shown to be significantly overrepresented in individuals with long QT syndrome (PMID: 32893267). Computational prediction suggests that this variant may have deleterious impact on protein structure and function (internally defined REVEL score threshold >= 0.7, PMID: 27666373). To our knowledge, functional studies have not been reported for this variant. This variant has been reported in three unrelated individuals affected with long QT syndrome (PMID: 30036649). This variant has not been identified in the general population by the Genome Aggregation Database (gnomAD). Different missense variants occurring at the same codon, p.Ser818Leu and p.Ser818Pro, have been shown to cause trafficking defects and observed in individuals affected with long QT syndrome (ClinVar ID: 14432, 67400). This indicates that serine at this position is a functionally and clinically important residue. Based on the available evidence, this variant is classified as Likely Pathogenic.

Literature cited by the submitters: PubMed 30036649 (cited by All of Us Research Program, National Institutes of Health and Color Diagnostics, LLC DBA Color Health); PubMed 32893267 (cited by All of Us Research Program, National Institutes of Health and Color Diagnostics, LLC DBA Color Health).

NM_000238.4(KCNH2):c.2453C>G (p.Ser818Trp)

Gene: KCNH2 (potassium voltage-gated channel subfamily H member 2; minus strand). Cytogenetic location: 7q36.1.
Variant type: single nucleotide variant.
Coding change: c.2453C>G on transcript NM_000238.4 (MANE Select); coding-DNA position 2453, C replaced by G.
Protein change: p.Ser818Trp; replaces serine 818 with tryptophan.
Molecular consequence: missense variant. On other transcripts: non-coding transcript variant (2).
Genome position (GRCh38, 1-based): chr7:150,948,995, G>C on the plus strand (C>G on the coding strand, the complement: KCNH2 is on the minus strand). VCF-style: chr7-150948995-G-C. GRCh37 (hg19) VCF-style: chr7-150646083-G-C.
Other names: c.2165C>G, p.Ser722Trp (NM_001406753.1); c.1433C>G, p.Ser478Trp (NM_172057.3); short protein forms S722W, S818W, S478W.
Identifiers: ClinVar variation 2773436 (VCV002773436.3), dbSNP rs121912510, ClinGen allele CA369855233.